The following is an entry in ClinVar:

ClinVar aggregate classification (germline): Uncertain significance. Review status: criteria provided, multiple submitters, no conflicts (2 of 4 stars). 3 submissions from 3 submitters: Uncertain significance (3). Last evaluated 2025-01-10.

Allele frequency attached by ClinVar (database versions not stated): gnomAD exomes 0.00001; ExAC 0.00002; gnomAD 0.00003.
gnomAD v4.1: 23 of 1,612,472 alleles (0.0014%); highest among the groups gnomAD compares: South Asian, 0.0022%; no homozygotes.

Submissions (3):

Ambry Genetics
Classification: Uncertain significance. Last evaluated: 2025-01-10. Review status: criteria provided, single submitter. Criteria: Ambry Variant Classification Scheme 2023. Collection method: clinical testing. Allele origin: germline.

Greenwood Genetic Center Diagnostic Laboratories, Greenwood Genetic Center
Classification: Uncertain significance. Last evaluated: 2022-12-19. Review status: criteria provided, single submitter. Criteria: ACMG Guidelines, 2015. Collection method: clinical testing. Allele origin: germline. Affected: yes.
Comment: BP4

Labcorp Genetics (formerly Invitae), Labcorp
Classification: Uncertain significance. Last evaluated: 2022-09-08. Review status: criteria provided, single submitter. Criteria: Invitae Variant Classification Sherloc (09022015). Collection method: clinical testing. Allele origin: germline.
Comment: In summary, the available evidence is currently insufficient to determine the role of this variant in disease. Therefore, it has been classified as a Variant of Uncertain Significance. Algorithms developed to predict the effect of missense changes on protein structure and function output the following: SIFT: "Tolerated"; PolyPhen-2: "Benign"; Align-GVGD: "Class C0". The isoleucine amino acid residue is found in multiple mammalian species, which suggests that this missense change does not adversely affect protein function. This variant has not been reported in the literature in individuals affected with ZCCHC8-related conditions. This variant is present in population databases (rs746007865, gnomAD 0.002%). This sequence change replaces valine, which is neutral and non-polar, with isoleucine, which is neutral and non-polar, at codon 290 of the ZCCHC8 protein (p.Val290Ile).

NM_017612.5(ZCCHC8):c.868G>A (p.Val290Ile)

Gene: ZCCHC8 (zinc finger CCHC-type containing 8; minus strand). Cytogenetic location: 12q24.31.
Variant type: single nucleotide variant.
Coding change: c.868G>A on transcript NM_017612.5 (MANE Select); coding-DNA position 868, G replaced by A.
Protein change: p.Val290Ile; replaces valine 290 with isoleucine.
Molecular consequence: missense variant.
Genome position (GRCh38, 1-based): chr12:122,481,952, C>T on the plus strand (G>A on the coding strand, the complement: ZCCHC8 is on the minus strand). VCF-style: chr12-122481952-C-T. GRCh37 (hg19) VCF-style: chr12-122966499-C-T.
Other names: c.637G>A, p.Val213Ile (NM_001350935.2); c.571G>A, p.Val191Ile (NM_001350936.2); c.154G>A, p.Val52Ile (NM_001350937.2, NM_001350938.2); c.868G>A (NM_017612.3); short protein forms V213I, V290I, V191I, V52I.
Identifiers: ClinVar variation 1960338 (VCV001960338.9), dbSNP rs746007865, ClinGen allele CA6846347.